The following is an entry in ClinVar:

NM_004281.4(BAG3):c.307G>T (p.Ala103Ser)

Gene: BAG3 (BAG cochaperone 3; plus strand). Cytogenetic location: 10q26.11.
Variant type: single nucleotide variant.
Coding change: c.307G>T on transcript NM_004281.4 (MANE Select); coding-DNA position 307, G replaced by T.
Protein change: p.Ala103Ser; replaces alanine 103 with serine.
Molecular consequence: missense variant.
Genome position (GRCh38, 1-based): chr10:119,669,977, G>T. VCF-style: chr10-119669977-G-T. GRCh37 (hg19) VCF-style: chr10-121429489-G-T.
Other names: short protein forms A103S.
Identifiers: ClinVar variation 4791319 (VCV004791319.1).

ClinVar aggregate classification (germline): Uncertain significance (1 of 4 stars; one submission).

Conditions:
Dilated cardiomyopathy 1HH (CMD1HH). Identifiers: Orphanet 154, MedGen C3151293, MONDO:0013479, OMIM 613881.
Myofibrillar myopathy 6. Identifiers: Orphanet 199340, MedGen C2751831, MONDO:0013061, OMIM 612954.

gnomAD v4.1: 1 of 1,614,206 alleles (0.000062%); highest among the groups gnomAD compares: Non-Finnish European, 0.000085%; no homozygotes.

Submission:

Labcorp Genetics (formerly Invitae), Labcorp
Classification: Uncertain significance for Dilated cardiomyopathy 1HH; Myofibrillar myopathy 6. Last evaluated: 2025-04-09. Review status: criteria provided, single submitter. Criteria: Invitae Variant Classification Sherloc (09022015). Collection method: clinical testing. Allele origin: germline.
Comment: This sequence change replaces alanine, which is neutral and non-polar, with serine, which is neutral and polar, at codon 103 of the BAG3 protein (p.Ala103Ser). This variant is not present in population databases (gnomAD no frequency). This variant has not been reported in the literature in individuals affected with BAG3-related conditions. Invitae Evidence Modeling of protein sequence and biophysical properties (such as structural, functional, and spatial information, amino acid conservation, physicochemical variation, residue mobility, and thermodynamic stability) indicates that this missense variant is not expected to disrupt BAG3 protein function with a negative predictive value of 80%. In summary, the available evidence is currently insufficient to determine the role of this variant in disease. Therefore, it has been classified as a Variant of Uncertain Significance.